The following is an entry in ClinVar:

ClinVar aggregate classification (germline): Uncertain significance (1 of 4 stars; one submission).

Conditions:
Charcot-Marie-Tooth disease axonal type 2P. Also called: CHARCOT-MARIE-TOOTH DISEASE, AXONAL, TYPE 2G; CMT 2G; Charcot-Marie-Tooth Neuropathy Type 2G; CHARCOT-MARIE-TOOTH NEUROPATHY, TYPE 2P. Identifiers: Orphanet 300319, Orphanet 99941, MedGen C3280797, MONDO:0013753, OMIM 614436.

Allele frequency attached by ClinVar (database versions not stated): gnomAD exomes 0.00001; TOPMed 0.00001; ExAC 0.00002.
gnomAD v4.1: 20 of 1,610,310 alleles (0.0012%); highest among the groups gnomAD compares: South Asian, 0.0055%; no homozygotes.

Submission:

Labcorp Genetics (formerly Invitae), Labcorp
Classification: Uncertain significance for Charcot-Marie-Tooth disease axonal type 2P. Last evaluated: 2024-03-23. Review status: criteria provided, single submitter. Criteria: Invitae Variant Classification Sherloc (09022015). Collection method: clinical testing. Allele origin: germline.
Comment: This sequence change replaces alanine, which is neutral and non-polar, with threonine, which is neutral and polar, at codon 182 of the LRSAM1 protein (p.Ala182Thr). This variant is present in population databases (rs780636250, gnomAD 0.005%). This variant has not been reported in the literature in individuals affected with LRSAM1-related conditions. ClinVar contains an entry for this variant (Variation ID: 1492100). Advanced modeling of protein sequence and biophysical properties (such as structural, functional, and spatial information, amino acid conservation, physicochemical variation, residue mobility, and thermodynamic stability) performed at Invitae indicates that this missense variant is not expected to disrupt LRSAM1 protein function with a negative predictive value of 80%. In summary, the available evidence is currently insufficient to determine the role of this variant in disease. Therefore, it has been classified as a Variant of Uncertain Significance.

NM_001005373.4(LRSAM1):c.544G>A (p.Ala182Thr)

Gene: LRSAM1 (leucine rich repeat and sterile alpha motif containing 1; plus strand). Cytogenetic location: 9q33.3.
Variant type: single nucleotide variant.
Coding change: c.544G>A on transcript NM_001005373.4 (MANE Select); coding-DNA position 544, G replaced by A.
Protein change: p.Ala182Thr; replaces alanine 182 with threonine.
Molecular consequence: missense variant. On other transcripts: 5 prime UTR variant (1), non-coding transcript variant (2).
Genome position (GRCh38, 1-based): chr9:127,467,755, G>A. VCF-style: chr9-127467755-G-A. GRCh37 (hg19) VCF-style: chr9-130230034-G-A.
Other names: c.544G>A, p.Ala182Thr (NM_001005374.4, NM_001190723.3, NM_001384142.1 and 2 more transcripts); c.-241G>A (NM_001384144.1); short protein forms A182T.
Identifiers: ClinVar variation 1492100 (VCV001492100.9), dbSNP rs780636250, ClinGen allele CA5246593.